The following is an entry in ClinVar:

ClinVar aggregate classification (germline): Pathogenic (1 of 4 stars; one submission).

Allele frequency attached by ClinVar (database versions not stated): TOPMed 0.00001.

Submission:

GeneDx
Classification: Pathogenic. Last evaluated: 2012-11-28. Review status: criteria provided, single submitter. Criteria: GeneDx Variant Classification (06012015). Collection method: clinical testing. Allele origin: germline. Affected: yes.
Comment: c.877-2 A>G:IVS5-2 A>G in intron 5 of the PDSS2 gene (NM_020381.3) The c.877-2 A>G splice site mutation in the PDSS2 gene destroys the canonical splice acceptor site in intron 5. It is predicted to cause abnormal gene splicing, either leading to an abnormal message that is subject to nonsense-mediated mRNA decay, or to an abnormal protein product if the message is used for protein translation. Although this mutation has not been previously reported to our knowledge, it is expected to be a disease-causing mutation. The variant is found in MITONUC-MITOP panel(s).

NM_020381.4(PDSS2):c.877-2A>G

Gene: PDSS2 (decaprenyl diphosphate synthase subunit 2; minus strand). Cytogenetic location: 6q21.
Variant type: single nucleotide variant.
Coding change: c.877-2A>G on transcript NM_020381.4 (MANE Select); the canonical splice acceptor site of the intron before coding-DNA position 877, A replaced by G.
Molecular consequence: splice acceptor variant.
Genome position (GRCh38, 1-based): chr6:107,210,572, T>C on the plus strand (A>G on the coding strand, the complement: PDSS2 is on the minus strand). VCF-style: chr6-107210572-T-C. GRCh37 (hg19) VCF-style: chr6-107531776-T-C.
Identifiers: ClinVar variation 214994 (VCV000214994.2), dbSNP rs863224166, ClinGen allele CA324370.